The following is an entry in ClinVar:

NM_001278512.2(AP3B2):c.118G>A (p.Asp40Asn)

Genes: AP3B2 (adaptor related protein complex 3 subunit beta 2; minus strand), CPEB1-AS1 (CPEB1 antisense RNA 1; plus strand). Cytogenetic location: 15q25.2.
Variant type: single nucleotide variant.
Coding change: c.118G>A on transcript NM_001278512.2 (MANE Select); coding-DNA position 118, G replaced by A.
Protein change: p.Asp40Asn; replaces aspartic acid 40 with asparagine.
Molecular consequence: missense variant.
Genome position (GRCh38, 1-based): chr15:82,689,449, C>T on the plus strand (G>A on the coding strand, the complement: AP3B2 is on the minus strand). VCF-style: chr15-82689449-C-T. GRCh37 (hg19) VCF-style: chr15-83358201-C-T.
Other names: c.118G>A, p.Asp40Asn (NM_001278511.2, NM_001348440.2, NM_004644.5); short protein forms D40N.
Identifiers: ClinVar variation 1383232 (VCV001383232.8), dbSNP rs2151449523, ClinGen allele CA393302479.

ClinVar aggregate classification (germline): Uncertain significance (1 of 4 stars; one submission).

gnomAD v4.1: 1 of 1,613,384 alleles (0.000062%); no homozygotes.

Submission:

Labcorp Genetics (formerly Invitae), Labcorp
Classification: Uncertain significance. Last evaluated: 2021-03-29. Review status: criteria provided, single submitter. Criteria: Invitae Variant Classification Sherloc (09022015). Collection method: clinical testing. Allele origin: germline.
Comment: This sequence change replaces aspartic acid with asparagine at codon 40 of the AP3B2 protein (p.Asp40Asn). The aspartic acid residue is moderately conserved and there is a small physicochemical difference between aspartic acid and asparagine. In summary, the available evidence is currently insufficient to determine the role of this variant in disease. Therefore, it has been classified as a Variant of Uncertain Significance. Algorithms developed to predict the effect of missense changes on protein structure and function (SIFT, PolyPhen-2, Align-GVGD) all suggest that this variant is likely to be tolerated, but these predictions have not been confirmed by published functional studies and their clinical significance is uncertain. This variant has not been reported in the literature in individuals with AP3B2-related conditions. This variant is not present in population databases (ExAC no frequency).